The following is an entry in ClinVar:

NM_000455.5(STK11):c.112C>T (p.Pro38Ser)

Gene: STK11 (serine/threonine kinase 11; plus strand). Cytogenetic location: 19p13.3.
Variant type: single nucleotide variant.
Coding change: c.112C>T on transcript NM_000455.5 (MANE Select); coding-DNA position 112, C replaced by T.
Protein change: p.Pro38Ser; replaces proline 38 with serine.
Molecular consequence: missense variant.
Genome position (GRCh38, 1-based): chr19:1,207,025, C>T. VCF-style: chr19-1207025-C-T. GRCh37 (hg19) VCF-style: chr19-1207024-C-T.
Other names: short protein forms P38S.
Identifiers: ClinVar variation 1016480 (VCV001016480.11), dbSNP rs1060499954, ClinGen allele CA402943901.
Genomic context (GRCh38, chr19:1,207,025, plus strand): 5'-ATGTCGGTGGGTATGGACACGTTCATCCACCGCATCGACTCCACCGAGGTCATCTACCAG[C>T]CGCGCCGCAAGCGGGCCAAGCTCATCGGCAAGTACCTGATGGGGGACCTGCTGGGGGAAG-3'
Protein context (NP_000446.1, residues 28-48): RIDSTEVIYQ[Pro38Ser]RRKRAKLIGK

ClinVar aggregate classification (germline): Uncertain significance. Review status: criteria provided, multiple submitters, no conflicts (2 of 4 stars). 2 submissions from 2 submitters: Uncertain significance (2). Last evaluated 2022-07-25.

Conditions:
Peutz-Jeghers syndrome (PJS). Also called: Peutz-Jeghers polyposis; Periorificial lentiginosis syndrome; POLYPOSIS, HAMARTOMATOUS INTESTINAL; POLYPS-AND-SPOTS SYNDROME. Identifiers: Orphanet 2869, MedGen C0031269, MeSH D010580, MONDO:0008280, OMIM 175200.
Hereditary cancer-predisposing syndrome. Also called: Tumor predisposition; Hereditary Cancer Syndrome; Neoplastic Syndromes, Hereditary; Hereditary neoplastic syndrome. Identifiers: Orphanet 140162, MedGen C0027672, MeSH D009386, MONDO:0015356.

Allele frequency attached by ClinVar (database versions not stated): TOPMed below 0.00001.

Submissions (2):

Labcorp Genetics (formerly Invitae), Labcorp
Classification: Uncertain significance for Peutz-Jeghers syndrome. Last evaluated: 2022-07-25. Review status: criteria provided, single submitter. Criteria: Invitae Variant Classification Sherloc (09022015). Collection method: clinical testing. Allele origin: germline.
Comment: Algorithms developed to predict the effect of missense changes on protein structure and function (SIFT, PolyPhen-2, Align-GVGD) all suggest that this variant is likely to be tolerated. In summary, the available evidence is currently insufficient to determine the role of this variant in disease. Therefore, it has been classified as a Variant of Uncertain Significance. ClinVar contains an entry for this variant (Variation ID: 1016480). This variant has not been reported in the literature in individuals affected with STK11-related conditions. This variant is not present in population databases (gnomAD no frequency). This sequence change replaces proline, which is neutral and non-polar, with serine, which is neutral and polar, at codon 38 of the STK11 protein (p.Pro38Ser).

Ambry Genetics
Classification: Uncertain significance for Hereditary cancer-predisposing syndrome. Last evaluated: 2021-02-22. Review status: criteria provided, single submitter. Criteria: Ambry Variant Classification Scheme 2023. Collection method: clinical testing. Allele origin: germline.
Comment: The p.P38S variant (also known as c.112C>T), located in coding exon 1 of the STK11 gene, results from a C to T substitution at nucleotide position 112. The proline at codon 38 is replaced by serine, an amino acid with similar properties. This amino acid position is highly conserved in available vertebrate species. In addition, the in silico prediction for this alteration is inconclusive. Since supporting evidence is limited at this time, the clinical significance of this alteration remains unclear.